The following is an entry in ClinVar:

NM_004461.3(FARSA):c.849G>A (p.Ala283=)

Gene: FARSA (phenylalanyl-tRNA synthetase subunit alpha; minus strand). Cytogenetic location: 19p13.13.
Variant type: single nucleotide variant.
Coding change: c.849G>A on transcript NM_004461.3 (MANE Select); coding-DNA position 849, G replaced by A.
Protein change: p.Ala283=; no amino-acid change (alanine 283 retained).
Molecular consequence: synonymous variant.
Genome position (GRCh38, 1-based): chr19:12,925,167, C>T on the plus strand (G>A on the coding strand, the complement: FARSA is on the minus strand). VCF-style: chr19-12925167-C-T. GRCh37 (hg19) VCF-style: chr19-13035981-C-T.
Identifiers: ClinVar variation 3044769 (VCV003044769.2), dbSNP rs77092376, ClinGen allele CA9235249.

ClinVar aggregate classification (germline): Benign (0 of 4 stars; one submission).

Conditions:
FARSA-related disorder. Also called: FARSA-related condition.

Allele frequency attached by ClinVar (database versions not stated): gnomAD exomes 0.00090; ExAC 0.00431; ESP Exome Variant Server 0.00761; gnomAD 0.00792; TOPMed 0.00942; 1000 Genomes Project 30x 0.01156; 1000 Genomes Project 0.01198.
gnomAD v4.1: 2,528 of 1,589,218 alleles (0.16%); highest among the groups gnomAD compares: African/African-American, 2.7%; 25 homozygotes.

Submission:

PreventionGenetics, part of Exact Sciences
Classification: Benign for FARSA-related condition. Last evaluated: 2019-09-19. Review status: no assertion criteria provided. Collection method: clinical testing. Allele origin: germline.
Comment: This variant is classified as benign based on ACMG/AMP sequence variant interpretation guidelines (Richards et al. 2015 PMID: 25741868, with internal and published modifications).